The following is an entry in ClinVar:

NM_002878.4(RAD51D):c.904-12TTC[2]

Genes: RAD51D (RAD51 paralog D; minus strand), RAD51L3-RFFL (RAD51L3-RFFL readthrough; minus strand). Cytogenetic location: 17q12.
Variant type: Microsatellite.
Coding change: c.904-12TTC[2] on transcript NM_002878.4 (MANE Select); two copies in a row of the 3-base unit TTC starting at c.904-12; the reference has three copies in a row; one copy, 3 bases deleted.
Molecular consequence: intron variant.
Genome position (GRCh38, 1-based): chr17:35,101,040-35,101,042, GAA deleted on the plus strand (TTC on the coding strand, the reverse complement: RAD51D is on the minus strand); deleting any 3 consecutive bases within chr17:35,101,040-35,101,049 gives the same sequence; the position shown is the placement nearest the transcript's 3' end. VCF-style (leftmost placement, unchanged base first): chr17-35101039-GGAA-G. GRCh37 (hg19) VCF-style: chr17-33428058-GGAA-G.
Other names: NC_000017.10:g.33428066_33428068del; c.904-6_904-4delTTC (NM_002878.3, NM_002878.4); c.568-12TTC[2] (NM_133629.3); c.964-12TTC[2] (NM_001142571.2); c.904-13_904-11del (NM_002878.4).
Identifiers: ClinVar variation 410549 (VCV000410549.29), dbSNP rs779850240, ClinGen allele CA8499311.

ClinVar aggregate classification (germline): Benign/Likely benign. Review status: criteria provided, multiple submitters, no conflicts (2 of 4 stars). 7 submissions from 7 submitters: Benign (2); Likely benign (5). Last evaluated 2026-02-13.

Conditions:
RAD51D-related disorder. Also called: RAD51D-related condition.
Hereditary cancer-predisposing syndrome. Also called: Neoplastic Syndromes, Hereditary; Tumor predisposition; Hereditary Cancer Syndrome; Hereditary neoplastic syndrome. Identifiers: Orphanet 140162, MedGen C0027672, MeSH D009386, MONDO:0015356.
Breast-ovarian cancer, familial, susceptibility to, 4. Identifiers: Orphanet 145, MedGen C3280345, MONDO:0013669, OMIM 614291.

Submissions (8):

PreventionGenetics, part of Exact Sciences
Classification: Likely benign for RAD51D-related condition. Last evaluated: 2026-02-13. Review status: criteria provided, single submitter. Criteria: ACMG Guidelines, 2015. Collection method: clinical testing. Allele origin: germline.
Comment: This variant is classified as likely benign based on ACMG/AMP sequence variant interpretation guidelines (Richards et al. 2015 PMID: 25741868, with internal and published modifications).

Labcorp Genetics (formerly Invitae), Labcorp
Classification: Benign for Breast-ovarian cancer, familial, susceptibility to, 4. Last evaluated: 2026-01-20. Review status: criteria provided, single submitter. Criteria: Invitae Variant Classification Sherloc (09022015). Collection method: clinical testing. Allele origin: germline.

Women's Health and Genetics/Laboratory Corporation of America, LabCorp
Classification: Likely benign. Last evaluated: 2025-04-29. Review status: criteria provided, single submitter. Criteria: LabCorp Variant Classification Summary - May 2015. Collection method: clinical testing. Allele origin: germline.
Comment: Variant summary: RAD51D c.904-6_904-4delTTC alters a non-conserved nucleotide located at a position not widely known to affect splicing. Consensus agreement among computation tools predict no significant impact on normal splicing. However, these predictions have yet to be confirmed by functional studies. The variant allele was found at a frequency of 2e-05 in 251476 control chromosomes. The available data on variant occurrences in the general population are insufficient to allow any conclusion about variant significance. To our knowledge, no occurrence of c.904-6_904-4delTTC in individuals affected with Hereditary Breast And Ovarian Cancer Syndrome and no experimental evidence demonstrating its impact on protein function have been reported. ClinVar contains an entry for this variant (Variation ID: 410549). Based on the evidence outlined above, the variant was classified as likely benign.

Myriad Genetics, Inc.
Classification: Likely benign for Breast-ovarian cancer, familial, susceptibility to, 4. Last evaluated: 2024-12-13. Review status: criteria provided, single submitter. Criteria: Myriad Autosomal Dominant, Autosomal Recessive and X-Linked Classification Criteria (2023). Collection method: clinical testing. Allele origin: unknown.
Comment: This variant is considered likely benign. This variant is intronic and is not expected to impact mRNA splicing. This variant is strongly associated with less severe personal and family histories of cancer, typical for individuals without pathogenic variants in this gene [PMID: 25085752].

Ambry Genetics
Classification: Likely benign for Hereditary cancer-predisposing syndrome. Last evaluated: 2019-12-17. Review status: criteria provided, single submitter. Criteria: Ambry Variant Classification Scheme 2023. Collection method: clinical testing. Allele origin: germline.

Color Diagnostics, LLC DBA Color Health
Classification: Likely benign for Hereditary cancer-predisposing syndrome. Last evaluated: 2017-01-04. Review status: criteria provided, single submitter. Criteria: ACMG Guidelines, 2015. Collection method: clinical testing. Allele origin: germline.

GeneDx
Classification: Benign. Last evaluated: 2015-05-04. Review status: criteria provided, single submitter. Criteria: GeneDx Variant Classification (06012015). Collection method: clinical testing. Allele origin: germline. Affected: yes.
Comment: This variant is considered likely benign or benign based on one or more of the following criteria: it is a conservative change, it occurs at a poorly conserved position in the protein, it is predicted to be benign by multiple in silico algorithms, and/or has population frequency not consistent with disease.

Dr. Peter K. Rogan Lab, Western University
No classification provided (evidence only). Condition: Gastric cancer. Review status: no classification provided. Collection method: in vitro. Allele origin: not applicable. Functional consequence: retained intron. Not counted in ClinVar's aggregate classification.

Literature cited by the submitters: PubMed 25085752 (cited by Myriad Genetics, Inc.).